The following is an entry in ClinVar:

NM_001190737.2(NFIB):c.621C>T (p.Tyr207=)

Gene: NFIB (nuclear factor I B; minus strand). Cytogenetic location: 9p23.
Variant type: single nucleotide variant.
Coding change: c.621C>T on transcript NM_001190737.2 (MANE Select); coding-DNA position 621, C replaced by T.
Protein change: p.Tyr207=; no amino-acid change (tyrosine 207 retained).
Molecular consequence: synonymous variant. On other transcripts: 5 prime UTR variant (1), non-coding transcript variant (4).
Genome position (GRCh38, 1-based): chr9:14,155,889, G>A on the plus strand (C>T on the coding strand, the complement: NFIB is on the minus strand). VCF-style: chr9-14155889-G-A. GRCh37 (hg19) VCF-style: chr9-14155888-G-A.
Other names: c.699C>T, p.Tyr233= (NM_001190738.2); c.-136C>T (NM_001282787.2); c.687C>T, p.Tyr229= (NM_001369458.1, NM_001369459.1, NM_001369462.1 and 1 more transcripts); c.609C>T, p.Tyr203= (NM_001369460.1, NM_001369463.1, NM_001369466.1 and 2 more transcripts); c.621C>T, p.Tyr207= (NM_001369461.1, NM_001369464.1, NM_001369471.1 and 1 more transcripts); c.594C>T, p.Tyr198= (NM_001369465.1, NM_001369467.1, NM_001369476.1); c.477C>T, p.Tyr159= (NM_001369469.1); c.384C>T, p.Tyr128= (NM_001369470.1, NM_001369478.1); and 5 more.
Identifiers: ClinVar variation 1695244 (VCV001695244.33), dbSNP rs147077516, ClinGen allele CA4988590.

ClinVar aggregate classification (germline): Likely benign. Review status: criteria provided, multiple submitters, no conflicts (2 of 4 stars). 3 submissions from 3 submitters: Likely benign (2). 1 of the submissions does not count toward it. Last evaluated 2025-06-01.

Conditions:
NFIB-related disorder. Also called: NFIB-related condition.

Allele frequency attached by ClinVar (database versions not stated): 1000 Genomes Project 30x 0.00047; 1000 Genomes Project 0.00060; TOPMed 0.00100; gnomAD 0.00117 and 0.00118; ESP Exome Variant Server 0.00155; gnomAD exomes 0.00166 and 0.00172; ExAC 0.00238.
gnomAD v4.1: 2,556 of 1,558,506 alleles (0.16%); highest among the groups gnomAD compares: Non-Finnish European, 0.21%; 3 homozygotes.

Submissions (3):

CeGaT Center for Human Genetics Tuebingen
Classification: Likely benign. Last evaluated: 2025-06-01. Review status: criteria provided, single submitter. Criteria: CeGaT Center For Human Genetics Tuebingen Variant Classification Criteria Version 2. Collection method: clinical testing. Allele origin: germline. Affected: yes. Observed: 7 variant alleles.
Comment: NFIB: BP4, BS1

Blueprint Genetics
Classification: Likely benign. Last evaluated: 2024-11-26. Review status: criteria provided, single submitter. Criteria: ACMG Guidelines, 2015. Collection method: clinical testing. Allele origin: germline.

PreventionGenetics, part of Exact Sciences
Classification: Likely benign for NFIB-related condition. Last evaluated: 2019-05-30. Review status: no assertion criteria provided. Collection method: clinical testing. Allele origin: germline. Not counted in ClinVar's aggregate classification.
Comment: This variant is classified as likely benign based on ACMG/AMP sequence variant interpretation guidelines (Richards et al. 2015 PMID: 25741868, with internal and published modifications).